The following is an entry in ClinVar:

ClinVar aggregate classification (germline): Uncertain significance (1 of 4 stars; one submission).

Submission:

GeneDx
Classification: Uncertain significance. Last evaluated: 2025-02-10. Review status: criteria provided, single submitter. Criteria: GeneDx Variant Classification Process June 2021. Collection method: clinical testing. Allele origin: germline. Affected: yes.
Comment: Not observed at significant frequency in large population cohorts (gnomAD); In silico analysis indicates that this missense variant does not alter protein structure/function; Has not been previously published as pathogenic or benign to our knowledge

NM_001386298.1(CIC):c.4918G>A (p.Asp1640Asn)

Genes: CIC (capicua transcriptional repressor; plus strand), LOC130064572 (ATAC-STARR-seq lymphoblastoid silent region 10705; plus strand). Cytogenetic location: 19q13.2.
Variant type: single nucleotide variant.
Coding change: c.4918G>A on transcript NM_001386298.1 (MANE Select); coding-DNA position 4918, G replaced by A.
Protein change: p.Asp1640Asn; replaces aspartic acid 1640 with asparagine.
Molecular consequence: missense variant.
Genome position (GRCh38, 1-based): chr19:42,290,959, G>A. VCF-style: chr19-42290959-G-A. GRCh37 (hg19) VCF-style: chr19-42795111-G-A.
Other names: c.4918G>A, p.Asp1640Asn (NM_001304815.2, NM_001379480.1, NM_001379482.1 and 6 more transcripts); c.2191G>A, p.Asp731Asn (NM_001379484.1, NM_001379485.1, NM_001439189.1 and 3 more transcripts); short protein forms D1640N, D731N.
Identifiers: ClinVar variation 4074481 (VCV004074481.1).